The following is an entry in ClinVar:

Conditions:
Long QT syndrome 5 (LQT5). Identifiers: Orphanet 101016, Orphanet 768, MedGen C1867904, MONDO:0013372, OMIM 613695.

Submission:

Roden Lab, Vanderbilt University Medical Center
No classification provided (evidence only). Condition: Long QT syndrome 5. Review status: no classification provided. Collection method: in vitro. Allele origin: not applicable. Functional consequence: Effect on ion channel function.
ClinVar note: "not provided" was previously submitted as the classification for the variant. However, the classification appeared to be based only on an observation of functional data so it was converted to no classification on 2025-07-30.

NM_000219.6(KCNE1):c.82T>G (p.Ser28Ala)

Gene: KCNE1 (potassium voltage-gated channel subfamily E regulatory subunit 1; minus strand). Cytogenetic location: 21q22.12.
Variant type: single nucleotide variant.
Coding change: c.82T>G on transcript NM_000219.6 (MANE Select); coding-DNA position 82, T replaced by G.
Protein change: p.Ser28Ala; replaces serine 28 with alanine.
Molecular consequence: missense variant.
Genome position (GRCh38, 1-based): chr21:34,449,553, A>C on the plus strand (T>G on the coding strand, the complement: KCNE1 is on the minus strand). VCF-style: chr21-34449553-A-C. GRCh37 (hg19) VCF-style: chr21-35821851-A-C.
Other names: c.82T>G, p.Ser28Ala (NM_001127668.4, NM_001127669.4, NM_001127670.4 and 4 more transcripts); short protein forms S28A.
Identifiers: ClinVar variation 3373999 (VCV003373999.2).